The following is an entry in ClinVar:

ClinVar aggregate classification (germline): Pathogenic (1 of 4 stars; one submission).

Conditions:
Hereditary cancer-predisposing syndrome. Also called: Hereditary Cancer Syndrome; Hereditary neoplastic syndrome; Tumor predisposition; Neoplastic Syndromes, Hereditary. Identifiers: Orphanet 140162, MedGen C0027672, MeSH D009386, MONDO:0015356.
Cardiovascular phenotype. Identifiers: MedGen CN230736.

Allele frequency attached by ClinVar (database versions not stated): gnomAD exomes below 0.00001.

Submission:

Ambry Genetics
Classification: Pathogenic for Cardiovascular phenotype; Hereditary cancer-predisposing syndrome. Last evaluated: 2025-03-27. Review status: criteria provided, single submitter. Criteria: Ambry Variant Classification Scheme 2023. Collection method: clinical testing. Allele origin: germline.
Comment: The c.2303delT pathogenic mutation, located in coding exon 19 of the LZTR1 gene, results from a deletion of one nucleotide at nucleotide position 2303, causing a translational frameshift with a predicted alternate stop codon (p.V768Gfs*21). This alteration occurs at the 3' terminus of theLZTR1 gene, is not expected to trigger nonsense-mediated mRNAdecay, and only impacts the last 8.7% of the protein. However, premature stop codons are typically deleterious in nature, a significant portion of the protein is affected, and the impacted region is critical for protein function (Ambry internal data). This variant is considered to be rare based on population cohorts in the Genome Aggregation Database (gnomAD). Based on the supporting evidence, this variant is pathogenic for an increased risk of LZTR1-related schwannomatosis (SWN) and would be expected to cause autosomal recessive Noonan syndrome when present along with a second pathogenic or likely pathogenic variant on the other allele.

NM_006767.4(LZTR1):c.2303del (p.Val768fs)

Gene: LZTR1 (leucine zipper like post translational regulator 1; plus strand). Cytogenetic location: 22q11.21.
Variant type: Deletion.
Coding change: c.2303del on transcript NM_006767.4 (MANE Select); coding-DNA position 2303, one base deleted (T; older notation c.2303delT).
Protein change: p.Val768fs; shifts the reading frame from valine 768.
Molecular consequence: frameshift variant.
Genome position (GRCh38, 1-based): chr22:20,996,779, T deleted. VCF-style (leftmost placement, unchanged base first): chr22-20996778-GT-G. GRCh37 (hg19) VCF-style: chr22-21351067-GT-G.
Other names: short protein forms V768fs.
Identifiers: ClinVar variation 1789322 (VCV001789322.3), dbSNP rs2518625794, ClinGen allele CA2580099311.
Genomic context (GRCh38, chr22:20,996,778, plus strand): 5'-TACTACGGCTTCTACAACAACCGGCTGCAGGCGTACTGCAAGCAGAACCTGGAGATGAAC[GT>G]GACGGTGCAGAACGTGCTGCAGGTAGCCCCCCAGCCCCGTGCACATGGCTGCAGCTCCCA-3'